The following is an entry in ClinVar:

NM_014875.3(KIF14):c.1764G>T (p.Gly588=)

Gene: KIF14 (kinesin family member 14; minus strand). Cytogenetic location: 1q32.1.
Variant type: single nucleotide variant.
Coding change: c.1764G>T on transcript NM_014875.3 (MANE Select); coding-DNA position 1764, G replaced by T.
Protein change: p.Gly588=; no amino-acid change (glycine 588 retained).
Molecular consequence: synonymous variant.
Genome position (GRCh38, 1-based): chr1:200,603,938, C>A on the plus strand (G>T on the coding strand, the complement: KIF14 is on the minus strand). VCF-style: chr1-200603938-C-A. GRCh37 (hg19) VCF-style: chr1-200573066-C-A.
Other names: c.291G>T, p.Gly97= (NM_001305792.1).
Identifiers: ClinVar variation 5041211 (VCV005041211.1).

ClinVar aggregate classification (germline): Likely benign (1 of 4 stars; one submission).

Submission:

CeGaT Center for Human Genetics Tuebingen
Classification: Likely benign. Last evaluated: 2026-10-01. Review status: criteria provided, single submitter. Criteria: CeGaT Center For Human Genetics Tuebingen Variant Classification Criteria Version 2. Collection method: clinical testing. Allele origin: germline. Affected: yes. Observed: 1 variant allele.
Comment: KIF14: BP4, BP7